The following is an entry in ClinVar:

ClinVar aggregate classification (germline): Conflicting classifications of pathogenicity. Review status: criteria provided, conflicting classifications (1 of 4 stars). 2 submissions from 2 submitters: Uncertain significance (1); Likely benign (1). Last evaluated 2025-04-22.

Conditions:
Primary ciliary dyskinesia. Also called: Ciliary dyskinesia. Identifiers: Orphanet 244, MedGen C0008780, MONDO:0016575, HP:0012265.

Allele frequency attached by ClinVar (database versions not stated): gnomAD 0.00001; gnomAD exomes 0.00001; ExAC 0.00002.
gnomAD v4.1: 22 of 1,612,648 alleles (0.0014%); highest among the groups gnomAD compares: South Asian, 0.024%; 1 homozygote.

Submissions (2):

Labcorp Genetics (formerly Invitae), Labcorp
Classification: Likely benign for Primary ciliary dyskinesia. Last evaluated: 2025-04-22. Review status: criteria provided, single submitter. Criteria: Invitae Variant Classification Sherloc (09022015). Collection method: clinical testing. Allele origin: germline.

GeneDx
Classification: Uncertain significance. Last evaluated: 2020-02-27. Review status: criteria provided, single submitter. Criteria: GeneDx Variant Classification Process June 2021. Collection method: clinical testing. Allele origin: germline. Affected: yes.
Comment: In silico analysis supports that this missense variant does not alter protein structure/function; Has not been previously published as pathogenic or benign to our knowledge

NM_001369.3(DNAH5):c.9088G>C (p.Val3030Leu)

Gene: DNAH5 (dynein axonemal heavy chain 5; minus strand). Cytogenetic location: 5p15.2.
Variant type: single nucleotide variant.
Coding change: c.9088G>C on transcript NM_001369.3 (MANE Select); coding-DNA position 9088, G replaced by C.
Protein change: p.Val3030Leu; replaces valine 3030 with leucine.
Molecular consequence: missense variant.
Genome position (GRCh38, 1-based): chr5:13,777,219, C>G on the plus strand (G>C on the coding strand, the complement: DNAH5 is on the minus strand). VCF-style: chr5-13777219-C-G. GRCh37 (hg19) VCF-style: chr5-13777328-C-G.
Other names: short protein forms V3030L.
Identifiers: ClinVar variation 1315210 (VCV001315210.7), dbSNP rs772987380, ClinGen allele CA3202628.